The following continues an entry in ClinVar:

NM_001065.4(TNFRSF1A):c.362G>A (p.Arg121Gln)

Gene: TNFRSF1A. ClinVar aggregate classification (germline): Conflicting classifications of pathogenicity. Uncertain significance (7); Benign (9); Likely benign (2).

Submissions 16 to 20 of 20:

Mendelics
Classification: Benign for TNF receptor-associated periodic fever syndrome (TRAPS). Last evaluated: 2019-05-28. Review status: criteria provided, single submitter. Criteria: Mendelics Assertion Criteria 2017. Collection method: clinical testing. Allele origin: unknown.

Eurofins Ntd Llc (ga)
Classification: Uncertain significance. Last evaluated: 2017-02-07. Review status: criteria provided, single submitter. Criteria: EGL Classification Definitions 2015. Collection method: clinical testing. Allele origin: germline. Observed: 1 variant allele, 1 heterozygote.

Center for Genomics, Ann and Robert H. Lurie Children's Hospital of Chicago
Classification: Uncertain significance for Multiple sclerosis, susceptibility to, 5; TNF receptor-associated periodic fever syndrome (TRAPS). Review status: criteria provided, single submitter. Criteria: ACMG Guidelines, 2015. Collection method: clinical testing. Allele origin: germline.
Comment: TNFRSF1A NM_001065.3 exon4 p.Arg121Gln (c.362G>A): This variant is well reported in the literature (alternate nomenclature p.Arg92Gln) and identified in several individuals with periodic fever syndrome (Aksentijevich 2001 PMID:11443543, D'Osualdo 2006 PMID:16508982, Ravet 2006 PMID:16569687, Pelagatti 2011 PMID:21225694, Cantarini 2013 PMID:23745996). However, in all literature reviewed, the phenotype of individuals with this variant is consistently reported as mild with several authors suggesting this is a low penetrance, variable mutation. At least 1 nonsegregation was also identified (Ravet 2006 PMID:16569687). This variant is present in 2% (2510/126556) of European alleles, including 24 homozygotes in the Genome Aggregation Database. This variant is present in ClinVar (Variation ID:217017). This variant amino acid Glutamine (Gln) is present in >15 species and is not well conserved among evolutionarily distant species; this suggests that this variant may not impact the protein. Additional computational prediction tools do not suggest an impact. In vitro functional studies are conflicting and do not strongly predict that this variant will impact the protein (Aksentijevich 2001 PMID:11443543, D'Osualdo 2006 PMID:16508982, Greco 2015 PMID:25888769). However, these studies may not accurately represent in vivo biological function and further studies are needed to understand its impact. In summary, data on this variant is insufficient for disease classification. Therefore, the clinical significance of this variant is uncertain

Department of Pathology and Laboratory Medicine, Sinai Health System
Classification: Uncertain significance. Review status: no assertion criteria provided. Collection method: clinical testing. Allele origin: unknown. Affected: yes. Study: The Canadian Open Genetics Repository (COGR). Not counted in ClinVar's aggregate classification.
Comment: The TNFRSF1A p.Arg121Gln variant has been reported multiple times in association with tumor necrosis factor receptor-associated periodic syndrome (TRAPS) (Ruiz-Ortiz_2017_PMID:28396659; Shinar_2012_PMID:22661645; MâˆšÂºhlenen_2015). The variant was identified in dbSNP (ID: rs4149584) LOVD 3.0 (classified as a VUS) and ClinVar (classified as benign by Invitae and ARUP Laboratories, as likely benign by CeGaT Praxis fuer Humangenetik Tuebingen, as uncertain significance by Laboratory for Molecular Medicine, GeneDx, EGL Genetic Diagnostics and Center for Genomics, Ann and Robert H. Lurie Children's Hospital of Chicago, as likely pathogenic by Department of Genetics, Sultan Qaboos University Hospital, Oman and as pathogenic by UCLA Clinical Genomics Center, UCLA). The variant was identified in control databases in 3646 of 282618 chromosomes (29 homozygous) at a frequency of 0.0129 increasing the likelihood this could be a low frequency benign variant (Genome Aggregation Database March 6, 2019, v2.1.1). The variant was observed in the following populations: European (non-Finnish) in 2564 of 129036 chromosomes (freq: 0.01987), Ashkenazi Jewish in 184 of 10368 chromosomes (freq: 0.01775), Other in 125 of 7226 chromosomes (freq: 0.0173), European (Finnish) in 265 of 25094 chromosomes (freq: 0.01056), Latino in 319 of 35430 chromosomes (freq: 0.009004), South Asian in 111 of 30604 chromosomes (freq: 0.003627) and African in 78 of 24916 chromosomes (freq: 0.003131), but was not observed in the East Asian population. The p.Arg121Gln residue is not conserved in mammals and four out of five computational analyses (PolyPhen-2, SIFT, AlignGVGD, BLOSUM, MutationTaster) do not suggest a high likelihood of impact to the protein; however, this information is not predictive enough to rule out pathogenicity. The variant occurs outside of the splicing consensus sequence and in silico or computational prediction software programs (SpliceSiteFinder, MaxEntScan, NNSPLICE, GeneSplicer) do not predict a difference in splicing. Functional studies provide inconsistent results regarding altered protein function (Aksentijevich_2001_PMID:11443543; Agullâˆšâ‰¥_2015_PMID:26616867). This variant has been previously reported as pathogenic, however due to the high frequency in control populations may be a low penetrant or benign variant. In summary, based on the above information the clinical significance of this variant cannot be determined with certainty at this time. This variant is classified as a variant of uncertain significance.

UCLA Clinical Genomics Center, UCLA
Classification: Pathogenic for TNF receptor-associated periodic fever syndrome (TRAPS). Last evaluated: 2013-04-02. Review status: flagged submission. Criteria: Lee et al. (JAMA. 2014). Collection method: clinical testing. Allele origin: unknown. Inheritance: Autosomal dominant inheritance. Affected: yes. Study: CES. Not counted in ClinVar's aggregate classification.
ClinVar note: Reason: Older and outlier claim with insufficient supporting evidence

Literature cited by the submitters: PubMed 16684962 (cited by Women's Health and Genetics/Laboratory Corporation of America, LabCorp).